The following is an entry in ClinVar:

ClinVar aggregate classification (germline): Uncertain significance (1 of 4 stars; one submission).

Conditions:
Hereditary cancer-predisposing syndrome. Also called: Neoplastic Syndromes, Hereditary; Tumor predisposition; Hereditary neoplastic syndrome; Hereditary Cancer Syndrome. Identifiers: Orphanet 140162, MedGen C0027672, MeSH D009386, MONDO:0015356.
Cardiovascular phenotype. Identifiers: MedGen CN230736.

Allele frequency attached by ClinVar (database versions not stated): gnomAD exomes below 0.00001.
gnomAD v4.1: 2 of 1,613,402 alleles (0.00012%); highest among the groups gnomAD compares: East Asian, 0.0022%; no homozygotes.

Submission:

Ambry Genetics
Classification: Uncertain significance for Cardiovascular phenotype; Hereditary cancer-predisposing syndrome. Last evaluated: 2025-10-30. Review status: criteria provided, single submitter. Criteria: Ambry Variant Classification Scheme 2023. Collection method: clinical testing. Allele origin: germline.
Comment: The p.D444G variant (also known as c.1331A>G), located in coding exon 12 of the LZTR1 gene, results from an A to G substitution at nucleotide position 1331. The aspartic acid at codon 444 is replaced by glycine, an amino acid with similar properties. This amino acid position is conserved. In addition, this alteration is predicted to be deleterious by in silico analysis. Based on the available evidence, the clinical significance of this variant remains unclear.

NM_006767.4(LZTR1):c.1331A>G (p.Asp444Gly)

Gene: LZTR1 (leucine zipper like post translational regulator 1; plus strand). Cytogenetic location: 22q11.21.
Variant type: single nucleotide variant.
Coding change: c.1331A>G on transcript NM_006767.4 (MANE Select); coding-DNA position 1331, A replaced by G.
Protein change: p.Asp444Gly; replaces aspartic acid 444 with glycine.
Molecular consequence: missense variant.
Genome position (GRCh38, 1-based): chr22:20,993,732, A>G. VCF-style: chr22-20993732-A-G. GRCh37 (hg19) VCF-style: chr22-21348021-A-G.
Other names: short protein forms D444G.
Identifiers: ClinVar variation 3238059 (VCV003238059.2), dbSNP rs1165976665.